The following is an entry in ClinVar:

NM_000137.4(FAH):c.1027G>A (p.Gly343Arg)

Gene: FAH (fumarylacetoacetate hydrolase; plus strand). Cytogenetic location: 15q25.1.
Variant type: single nucleotide variant.
Coding change: c.1027G>A on transcript NM_000137.4 (MANE Select); coding-DNA position 1027, G replaced by A.
Protein change: p.Gly343Arg; replaces glycine 343 with arginine.
Molecular consequence: missense variant.
Genome position (GRCh38, 1-based): chr15:80,180,190, G>A. VCF-style: chr15-80180190-G-A. GRCh37 (hg19) VCF-style: chr15-80472532-G-A.
Other names: c.1027G>A, p.Gly343Arg (NM_001374377.1, NM_001374380.1); short protein forms G343R.
Identifiers: ClinVar variation 558592 (VCV000558592.11), dbSNP rs970505762, ClinGen allele CA393621782.

ClinVar aggregate classification (germline): Pathogenic. Review status: criteria provided, single submitter (1 of 4 stars). 2 submissions from 2 submitters: Pathogenic (1). 1 of the submissions does not count toward it. Last evaluated 2019-11-16.

Conditions:
Tyrosinemia type I (TYRSN1). Also called: FAH DEFICIENCY; Tyrosinemia type 1; Fumarylacetoacetase deficiency; Deficiency of fumarylacetoacetase; HEPATORENAL TYROSINEMIA. Identifiers: Orphanet 882, MedGen C0268490, MONDO:0010161, OMIM 276700. Disease mechanism: loss of function.

Submissions (2):

Labcorp Genetics (formerly Invitae), Labcorp
Classification: Pathogenic for Tyrosinemia type I. Last evaluated: 2019-11-16. Review status: criteria provided, single submitter. Criteria: Invitae Variant Classification Sherloc (09022015). Collection method: clinical testing. Allele origin: germline.
Comment: This variant has been observed in individual(s) with tyrosinemia (PMID: 23927806). ClinVar contains an entry for this variant (Variation ID: 558592). Algorithms developed to predict the effect of missense changes on protein structure and function (SIFT, PolyPhen-2, Align-GVGD) all suggest that this variant is likely to be disruptive, but these predictions have not been confirmed by published functional studies and their clinical significance is uncertain. This variant is not present in population databases (ExAC no frequency). This sequence change replaces glycine with arginine at codon 343 of the FAH protein (p.Gly343Arg). The glycine residue is highly conserved and there is a moderate physicochemical difference between glycine and arginine. For these reasons, this variant has been classified as Pathogenic. This variant disrupts the p.Gly343 amino acid residue in FAH. Other variant(s) that disrupt this residue have been determined to be pathogenic (PMID: 12203990, 21764616). This suggests that this residue is clinically significant, and that variants that disrupt this residue are likely to be disease-causing.

Counsyl
Classification: Likely pathogenic for Tyrosinemia type I. Last evaluated: 2018-06-04. Review status: no assertion criteria provided. Collection method: clinical testing. Allele origin: unknown. Not counted in ClinVar's aggregate classification.

Literature cited by the submitters: PubMed 23927806 (cited by Labcorp Genetics (formerly Invitae), Labcorp and Counsyl); PubMed 12203990 (cited by Labcorp Genetics (formerly Invitae), Labcorp); PubMed 21764616 (cited by Labcorp Genetics (formerly Invitae), Labcorp and Counsyl); PubMed 23225041 (cited by Counsyl).